The following is an entry in ClinVar:

NM_025132.4(WDR19):c.2421+5C>G

Gene: WDR19 (WD repeat domain 19; plus strand). Cytogenetic location: 4p14.
Variant type: single nucleotide variant.
Coding change: c.2421+5C>G on transcript NM_025132.4 (MANE Select); 5 bases into the intron after coding-DNA position 2421, C replaced by G.
Molecular consequence: intron variant.
Genome position (GRCh38, 1-based): chr4:39,240,339, C>G. VCF-style: chr4-39240339-C-G. GRCh37 (hg19) VCF-style: chr4-39241959-C-G.
Other names: c.1941+5C>G (NM_001317924.2).
Identifiers: ClinVar variation 385639 (VCV000385639.1), dbSNP rs563302411, ClinGen allele CA16604709.

ClinVar aggregate classification (germline): Likely benign (1 of 4 stars; one submission).

Allele frequency attached by ClinVar (database versions not stated): TOPMed 0.00002; 1000 Genomes Project 30x 0.00016; 1000 Genomes Project 0.00020.
gnomAD v4.1: 3 of 1,417,362 alleles (0.00021%); highest among the groups gnomAD compares: East Asian, 0.0085%; no homozygotes.

Submission:

GeneDx
Classification: Likely benign. Last evaluated: 2016-04-14. Review status: criteria provided, single submitter. Criteria: GeneDx Variant Classification (06012015). Collection method: clinical testing. Allele origin: germline. Affected: yes.
Comment: This variant is considered likely benign or benign based on one or more of the following criteria: it is a conservative change, it occurs at a poorly conserved position in the protein, it is predicted to be benign by multiple in silico algorithms, and/or has population frequency not consistent with disease.